The following is an entry in ClinVar:

NM_003742.4(ABCB11):c.2349_2350del (p.Ser784fs)

Gene: ABCB11 (ATP binding cassette subfamily B member 11; minus strand). Cytogenetic location: 2q31.1.
Variant type: Deletion.
Coding change: c.2349_2350del on transcript NM_003742.4 (MANE Select); coding-DNA positions 2349 to 2350, 2 bases deleted (TT; older notation c.2349_2350delTT).
Protein change: p.Ser784fs; shifts the reading frame from serine 784.
Molecular consequence: frameshift variant.
Genome position (GRCh38, 1-based): chr2:168,944,955-168,944,956, AA deleted on the plus strand (TT on the coding strand, the reverse complement: ABCB11 is on the minus strand); deleting any 2 consecutive bases within chr2:168,944,955-168,944,959 gives the same sequence; the c. name uses the placement nearest the transcript's 3' end. VCF-style (leftmost placement, unchanged base first): chr2-168944954-GAA-G. GRCh37 (hg19) VCF-style: chr2-169801464-GAA-G.
Other names: short protein forms S784fs.
Identifiers: ClinVar variation 2765003 (VCV002765003.3), dbSNP rs2545300407, ClinGen allele CA2697551280.
Genomic context (GRCh38, chr2:168,944,954, plus strand): 5'-GCTACAAAAAGTAGGCACACACCATTGATCTGTGACCTTTGTTCCTCTTTATCAGGAATT[GAA>G]AAAGTCTTGGAAAGATAGTAAACAAGAAAGTAACTTTATTATAAATAGAAAAATAAATCT-3'

ClinVar aggregate classification (germline): Pathogenic (1 of 4 stars; one submission).

Submission:

Labcorp Genetics (formerly Invitae), Labcorp
Classification: Pathogenic. Last evaluated: 2023-06-04. Review status: criteria provided, single submitter. Criteria: Invitae Variant Classification Sherloc (09022015). Collection method: clinical testing. Allele origin: germline.
Comment: This variant has not been reported in the literature in individuals affected with ABCB11-related conditions. For these reasons, this variant has been classified as Pathogenic. This sequence change creates a premature translational stop signal (p.Ser784Asnfs*3) in the ABCB11 gene. It is expected to result in an absent or disrupted protein product. Loss-of-function variants in ABCB11 are known to be pathogenic (PMID: 18395098, 20232290). This variant is not present in population databases (gnomAD no frequency).

Literature cited by the submitters: PubMed 18395098; PubMed 20232290.